The following is an entry in ClinVar:

ClinVar aggregate classification (germline): Pathogenic/Likely pathogenic. Review status: criteria provided, multiple submitters, no conflicts (2 of 4 stars). 2 submissions from 2 submitters: Pathogenic (1); Likely pathogenic (1). Last evaluated 2025-08-22.

Conditions:
Neurodevelopmental disorder with or without hyperkinetic movements and seizures, autosomal dominant. Also called: Intellectual disability, autosomal dominant 8. Identifiers: MedGen C3280282, MONDO:0013655, OMIM 614254.

Allele frequency attached by ClinVar (database versions not stated): gnomAD exomes below 0.00001; TOPMed 0.00001.

Submissions (2):

Labcorp Genetics (formerly Invitae), Labcorp
Classification: Pathogenic for Neurodevelopmental disorder with or without hyperkinetic movements and seizures, autosomal dominant. Last evaluated: 2025-08-22. Review status: criteria provided, single submitter. Criteria: Invitae Variant Classification Sherloc (09022015). Collection method: clinical testing. Allele origin: germline.
Comment: This sequence change creates a premature translational stop signal (p.Ile90Serfs*2) in the GRIN1 gene. It is expected to result in an absent or disrupted protein product. Loss-of-function variants in GRIN1 are known to be pathogenic (PMID: 27164704, 35393335). This variant is present in population databases (no rsID available, gnomAD 0.007%). This variant has not been reported in the literature in individuals affected with GRIN1-related conditions. ClinVar contains an entry for this variant (Variation ID: 2147758). For these reasons, this variant has been classified as Pathogenic.

GeneDx
Classification: Likely pathogenic. Last evaluated: 2023-12-23. Review status: criteria provided, single submitter. Criteria: GeneDx Variant Classification Process June 2021. Collection method: clinical testing. Allele origin: germline. Affected: yes.
Comment: Has not been previously published as pathogenic or benign to our knowledge; Frameshift variant predicted to result in protein truncation or nonsense mediated decay in a gene for which loss of function is a known mechanism of disease; Not observed at significant frequency in large population cohorts (gnomAD)

Literature cited by the submitters: PubMed 27164704 (cited by Labcorp Genetics (formerly Invitae), Labcorp); PubMed 35393335 (cited by Labcorp Genetics (formerly Invitae), Labcorp).

NM_007327.4(GRIN1):c.268del (p.Ile90fs)

Gene: GRIN1 (glutamate ionotropic receptor NMDA type subunit 1; plus strand). Cytogenetic location: 9q34.3.
Variant type: Deletion.
Coding change: c.268del on transcript NM_007327.4 (MANE Select); coding-DNA position 268, one base deleted (A; older notation c.268delA).
Protein change: p.Ile90fs; shifts the reading frame from isoleucine 90.
Molecular consequence: frameshift variant.
Genome position (GRCh38, 1-based): chr9:137,142,022, A deleted. VCF-style (leftmost placement, unchanged base first): chr9-137142021-CA-C. GRCh37 (hg19) VCF-style: chr9-140036473-CA-C.
Other names: c.268del, p.Ile90fs (NM_000832.7, NM_001185090.2, NM_001185091.2 and 1 more transcripts); c.268del (NM_007327.3); short protein forms I90fs.
Identifiers: ClinVar variation 2147758 (VCV002147758.5), dbSNP rs1161768105, ClinGen allele CA591215264.